The following is an entry in ClinVar:

ClinVar aggregate classification (germline): Uncertain significance (1 of 4 stars; one submission).

Conditions:
Primary ciliary dyskinesia. Also called: Ciliary dyskinesia. Identifiers: Orphanet 244, MedGen C0008780, MONDO:0016575, HP:0012265.

Allele frequency attached by ClinVar (database versions not stated): gnomAD 0.00001.
gnomAD v4.1: 6 of 1,596,974 alleles (0.00038%); highest among the groups gnomAD compares: African/African-American, 0.0027%; no homozygotes.

Submission:

Labcorp Genetics (formerly Invitae), Labcorp
Classification: Uncertain significance for Primary ciliary dyskinesia. Last evaluated: 2022-07-05. Review status: criteria provided, single submitter. Criteria: Invitae Variant Classification Sherloc (09022015). Collection method: clinical testing. Allele origin: germline.
Comment: This sequence change replaces aspartic acid, which is acidic and polar, with asparagine, which is neutral and polar, at codon 2576 of the DNAH11 protein (p.Asp2576Asn). This variant is not present in population databases (gnomAD no frequency). This variant has not been reported in the literature in individuals affected with DNAH11-related conditions. ClinVar contains an entry for this variant (Variation ID: 952434). Algorithms developed to predict the effect of missense changes on protein structure and function are either unavailable or do not agree on the potential impact of this missense change (SIFT: "Not Available"; PolyPhen-2: "Probably Damaging"; Align-GVGD: "Not Available"). In summary, the available evidence is currently insufficient to determine the role of this variant in disease. Therefore, it has been classified as a Variant of Uncertain Significance.

NM_001277115.2(DNAH11):c.7726G>A (p.Asp2576Asn)

Gene: DNAH11 (dynein axonemal heavy chain 11; plus strand). Cytogenetic location: 7p15.3.
Variant type: single nucleotide variant.
Coding change: c.7726G>A on transcript NM_001277115.2 (MANE Select); coding-DNA position 7726, G replaced by A.
Protein change: p.Asp2576Asn; replaces aspartic acid 2576 with asparagine.
Molecular consequence: missense variant.
Genome position (GRCh38, 1-based): chr7:21,738,781, G>A. VCF-style: chr7-21738781-G-A. GRCh37 (hg19) VCF-style: chr7-21778399-G-A.
Other names: short protein forms D2576N.
Identifiers: ClinVar variation 952434 (VCV000952434.7), dbSNP rs1282090941, ClinGen allele CA366950307.